The following is an entry in ClinVar:

NM_001034853.2(RPGR):c.28+5G>A

Genes: RPGR (retinitis pigmentosa GTPase regulator; minus strand), LOC130068098 (ATAC-STARR-seq lymphoblastoid silent region 20735; plus strand). Cytogenetic location: Xp11.4.
Variant type: single nucleotide variant.
Coding change: c.28+5G>A on transcript NM_001034853.2 (MANE Select); 5 bases into the intron after coding-DNA position 28, G replaced by A.
Molecular consequence: intron variant.
Genome position (GRCh38, 1-based): chrX:38,327,335, C>T on the plus strand (G>A on the coding strand, the complement: RPGR is on the minus strand). VCF-style: chrX-38327335-C-T. GRCh37 (hg19) VCF-style: chrX-38186588-C-T.
Other names: c.28+5G>A (NM_001367249.1, NM_001367250.1, NM_001367245.1 and 4 more transcripts).
Identifiers: ClinVar variation 98772 (VCV000098772.11), dbSNP rs62638626, ClinGen allele CA226401.

ClinVar aggregate classification (germline): Likely pathogenic. Review status: reviewed by expert panel (3 of 4 stars). 5 submissions from 5 submitters: Likely pathogenic (1). 4 of the submissions do not count toward it. Last evaluated 2026-11-20.

Conditions:
RPGR-related retinopathy. Also called: RPGR retinopathy. Identifiers: MedGen CN305589, MONDO:0100437.
RPGR-related disorder. Also called: RPGR-related condition.
Macular degeneration, X-linked atrophic. Identifiers: Orphanet 1872, MedGen C3151784, MONDO:0010443, OMIM 300834.
X-linked cone-rod dystrophy 1 (CORDX1). Identifiers: Orphanet 1872, MedGen C1844776, MONDO:0010566, OMIM 304020.
Retinitis pigmentosa, X-linked, and sinorespiratory infections, with or without deafness (RPSRDF). Identifiers: Orphanet 247522, MedGen C2749137, OMIM 300455.
Retinitis pigmentosa 3. Also called: CHOROIDORETINAL DEGENERATION WITH RETINAL REFLEX IN HETEROZYGOUS WOMEN. Identifiers: Orphanet 791, MedGen C1845667, MONDO:0010227, OMIM 300029.
Primary ciliary dyskinesia. Also called: Ciliary dyskinesia. Identifiers: Orphanet 244, MedGen C0008780, MONDO:0016575, HP:0012265.

Submissions (5):

ClinGen X-linked Inherited Retinal Disease Variant Curation Expert Panel, ClinGen
Classification: Likely pathogenic for RPGR-related retinopathy. Last evaluated: 2026-11-20. Review status: reviewed by expert panel. Criteria: ClinGen X LinkedIRD ACMG Specifications RPGR V1.0.0. Collection method: curation. Allele origin: germline. Inheritance: X-linked inheritance.
Comment: The NM_001034853.2:c.28+5G>A variant in the RPGR gene is an intronic variant in intron 1, located 5 nucleotides after exon 1. This variant is absent from gnomAD v4.1.2 (PM2_Supporting). The splicing impact predictor SpliceAI gives a score of 0.43, which is above the ClinGen X-linked IRD VCEP recommended threshold of ≥0.2 and predicts a damaging impact on splicing (PP3). This variant is outside the +/- 1,2 dinucleotide and applies the PP3 code; another pathogenic variant in the same donor/acceptor motif, NM_001034853.2(RPGR):c.28+1G>A, was found (PS1_moderate). This variant has been reported in at least 3 apparently unrelated probands meeting one of the PS4 requirements of a male with some functional vision impairment by age 30 and/or decreased or absent ERG responses, or a female with functional visual abnormality and documentation of a male relative affected with retinitis pigmentosa (PMIDs: 36646238, 30924848, 32343782, PS4_moderate). The VCEP voted to upgrade the classification of this variant to Likely Pathogenic based on reports of probands from multiple sources who were unable to meet evidence codes due to lack of confirmed clinical details (PMID: 36646238, PMID: 34985506, PMID: 32343782, PMID: 30924848, PMID: 10480356, PMID: 17195164, PMID: 31213501). In summary, this variant is classified as likely pathogenic for RPGR-related retinopathy based on the ACMG/AMP criteria applied, as specified by the ClinGen X-linked IRD VCEP: PM2_Supporting, PS1_Supporting, PP3, and PS4_Moderate.

Labcorp Genetics (formerly Invitae), Labcorp
Classification: Pathogenic for Primary ciliary dyskinesia. Last evaluated: 2025-03-25. Review status: criteria provided, single submitter. Criteria: Invitae Variant Classification Sherloc (09022015). Collection method: clinical testing. Allele origin: germline. Not counted in ClinVar's aggregate classification.
Comment: This sequence change falls in intron 1 of the RPGR gene. It does not directly change the encoded amino acid sequence of the RPGR protein. It affects a nucleotide within the consensus splice site. This variant is not present in population databases (gnomAD no frequency). This variant has been observed in individuals with retinitis pigmentosa (PMID: 10480356, 30924848, 31213501; internal data). This variant is also known as 86plus5G>A. ClinVar contains an entry for this variant (Variation ID: 98772). Variants that disrupt the consensus splice site are a relatively common cause of aberrant splicing (PMID: 17576681, 9536098). Algorithms developed to predict the effect of sequence changes on RNA splicing suggest that this variant may disrupt the consensus splice site. For these reasons, this variant has been classified as Pathogenic.

Blueprint Genetics
Classification: Likely pathogenic for RPGR-related disorders. Last evaluated: 2018-12-28. Review status: criteria provided, single submitter. Criteria: ACMG Guidelines, 2015. Collection method: clinical testing. Allele origin: germline. Affected: yes. Observed: 2 variant alleles. Not counted in ClinVar's aggregate classification.

Juno Genomics, Hangzhou Juno Genomics, Inc
Classification: Uncertain significance for X-linked cone-rod dystrophy 1; Macular degeneration, X-linked atrophic; Retinitis pigmentosa 3; Retinitis pigmentosa, X-linked, and sinorespiratory infections, with or without deafness. Review status: criteria provided, single submitter. Criteria: ACMG Guidelines, 2015. Collection method: clinical testing. Allele origin: germline. Not counted in ClinVar's aggregate classification.
Comment: Absent from controls (or at extremely low frequency if recessive) in Genome Aggregation Database.;The prevalence of the variant in affected individuals is significantly increased compared to the prevalence in controls.

Retina International
No classification provided. Review status: no classification provided. Collection method: not provided. Allele origin: not provided. Not counted in ClinVar's aggregate classification.

Literature cited by the submitters: PubMed 10480356 (cited by Labcorp Genetics (formerly Invitae), Labcorp); PubMed 30924848 (cited by Labcorp Genetics (formerly Invitae), Labcorp); PubMed 31213501 (cited by Labcorp Genetics (formerly Invitae), Labcorp); PubMed 17576681 (cited by Labcorp Genetics (formerly Invitae), Labcorp); PubMed 9536098 (cited by Labcorp Genetics (formerly Invitae), Labcorp).